The following is an entry in ClinVar:

NM_001101.5(ACTB):c.474G>A (p.Gly158=)

Gene: ACTB (actin beta; minus strand). Cytogenetic location: 7p22.1.
Variant type: single nucleotide variant.
Coding change: c.474G>A on transcript NM_001101.5 (MANE Select); coding-DNA position 474, G replaced by A.
Protein change: p.Gly158=; no amino-acid change (glycine 158 retained).
Molecular consequence: synonymous variant.
Genome position (GRCh38, 1-based): chr7:5,528,609, C>T on the plus strand (G>A on the coding strand, the complement: ACTB is on the minus strand). VCF-style: chr7-5528609-C-T. GRCh37 (hg19) VCF-style: chr7-5568240-C-T.
Other names: c.474G>A (LRG_132t1).
Identifiers: ClinVar variation 387382 (VCV000387382.14), dbSNP rs141472083, ClinGen allele CA4146999.

ClinVar aggregate classification (germline): Likely benign. Review status: criteria provided, multiple submitters, no conflicts (2 of 4 stars). 4 submissions from 4 submitters: Likely benign (4). Last evaluated 2024-12-24.

Conditions:
Baraitser-Winter syndrome 1 (BRWS1). Also called: PACHYGYRIA, MENTAL RETARDATION, EPILEPSY, AND CHARACTERISTIC FACIES; MENTAL RETARDATION WITH EPILEPSY AND CHARACTERISTIC FACIES; Cerebrofrontofacial syndrome; BARAITSER-WINTER SYNDROME 1, ATYPICAL. Identifiers: Orphanet 2649, Orphanet 2995, MedGen C1855722, MONDO:0009470, OMIM 243310.
Developmental malformations-deafness-dystonia syndrome (DDS1). Identifiers: Orphanet 79107, MedGen C5848323, MONDO:0011823, OMIM 607371.

Allele frequency attached by ClinVar (database versions not stated): gnomAD 0.00001; gnomAD exomes 0.00001 and 0.00005; ExAC 0.00002; TOPMed 0.00002; ESP Exome Variant Server 0.00008.
gnomAD v4.1: 74 of 1,613,832 alleles (0.0046%); highest among the groups gnomAD compares: Non-Finnish European, 0.006%; no homozygotes.

Submissions (4):

Labcorp Genetics (formerly Invitae), Labcorp
Classification: Likely benign for Baraitser-Winter syndrome 1. Last evaluated: 2024-12-24. Review status: criteria provided, single submitter. Criteria: Invitae Variant Classification Sherloc (09022015). Collection method: clinical testing. Allele origin: germline.

Blueprint Genetics
Classification: Likely benign. Last evaluated: 2022-10-20. Review status: criteria provided, single submitter. Criteria: ACMG Guidelines, 2015. Collection method: clinical testing. Allele origin: germline.

Fulgent Genetics
Classification: Likely benign for Baraitser-Winter syndrome 1; Developmental malformations-deafness-dystonia syndrome. Last evaluated: 2021-10-27. Review status: criteria provided, single submitter. Criteria: ACMG Guidelines, 2015. Collection method: clinical testing. Allele origin: unknown.

GeneDx
Classification: Likely benign. Last evaluated: 2016-07-07. Review status: criteria provided, single submitter. Criteria: GeneDx Variant Classification (06012015). Collection method: clinical testing. Allele origin: germline. Affected: yes.
Comment: This variant is considered likely benign or benign based on one or more of the following criteria: it is a conservative change, it occurs at a poorly conserved position in the protein, it is predicted to be benign by multiple in silico algorithms, and/or has population frequency not consistent with disease.